The following is an entry in ClinVar:

NM_005560.6(LAMA5):c.7154G>A (p.Arg2385Gln)

Gene: LAMA5 (laminin subunit alpha 5; minus strand). Cytogenetic location: 20q13.33.
Variant type: single nucleotide variant.
Coding change: c.7154G>A on transcript NM_005560.6 (MANE Select); coding-DNA position 7154, G replaced by A.
Protein change: p.Arg2385Gln; replaces arginine 2385 with glutamine.
Molecular consequence: missense variant.
Genome position (GRCh38, 1-based): chr20:62,318,539, C>T on the plus strand (G>A on the coding strand, the complement: LAMA5 is on the minus strand). VCF-style: chr20-62318539-C-T. GRCh37 (hg19) VCF-style: chr20-60893595-C-T.
Other names: short protein forms R2385Q.
Identifiers: ClinVar variation 2663642 (VCV002663642.1), dbSNP rs145597795, ClinGen allele CA9941398.
Genomic context (GRCh38, chr20:62,318,539, plus strand): 5'-TTGCGGCTGTTGAGCTCCTGGGCCTCCCGTGTGGCGTCCACTGCCCGGTTCAAAGCCTCT[C>T]GCAGGTCCATGAGGCCGGCCTCGTGCTGGGCCAGCCGGTCGCGGGTTTGTGTGGCCAGTG-3'
Protein context (NP_005551.3, residues 2375-2395): AQHEAGLMDL[Arg2385Gln]EALNRAVDAT

ClinVar aggregate classification (germline): Uncertain significance (1 of 4 stars; one submission).

Allele frequency attached by ClinVar (database versions not stated): ESP Exome Variant Server 0.00008; 1000 Genomes Project 30x 0.00016; 1000 Genomes Project 0.00020.
gnomAD v4.1: 156 of 1,610,046 alleles (0.0097%); highest among the groups gnomAD compares: Non-Finnish European, 0.012%; no homozygotes.

Submission:

GeneDx
Classification: Uncertain significance. Last evaluated: 2023-04-22. Review status: criteria provided, single submitter. Criteria: GeneDx Variant Classification Process June 2021. Collection method: clinical testing. Allele origin: germline. Affected: yes.
Comment: In silico analysis supports that this missense variant does not alter protein structure/function; Has not been previously published as pathogenic or benign to our knowledge; Variants in candidate genes are classified as variants of uncertain significance in accordance with ACMG guidelines (Richards et al., 2015)